The following is an entry in ClinVar:

NM_000512.5(GALNS):c.960G>T (p.Glu320Asp)

Gene: GALNS (galactosamine (N-acetyl)-6-sulfatase; minus strand). Cytogenetic location: 16q24.3.
Variant type: single nucleotide variant.
Coding change: c.960G>T on transcript NM_000512.5 (MANE Select); coding-DNA position 960, G replaced by T.
Protein change: p.Glu320Asp; replaces glutamic acid 320 with aspartic acid.
Molecular consequence: missense variant.
Genome position (GRCh38, 1-based): chr16:88,832,040, C>A on the plus strand (G>T on the coding strand, the complement: GALNS is on the minus strand). VCF-style: chr16-88832040-C-A. GRCh37 (hg19) VCF-style: chr16-88898448-C-A.
Other names: c.405G>T, p.Glu135Asp (NM_001323543.2); c.978G>T, p.Glu326Asp (NM_001323544.2); short protein forms E320D, E326D, E135D.
Identifiers: ClinVar variation 1420499 (VCV001420499.3), dbSNP rs1213435795, ClinGen allele CA397101159.

ClinVar aggregate classification (germline): Uncertain significance (1 of 4 stars; one submission).

Conditions:
Mucopolysaccharidosis, MPS-IV-A (MPS4A). Also called: Morquio syndrome A, mild; MORQUIO SYNDROME A; GALACTOSAMINE-6-SULFATASE DEFICIENCY; GALNS DEFICIENCY; MORQUIO A DISEASE; Mucopolysaccharidosis type IV A. Identifiers: Orphanet 309297, Orphanet 582, MedGen C0086651, MONDO:0009659, OMIM 253000.

Allele frequency attached by ClinVar (database versions not stated): gnomAD exomes below 0.00001; TOPMed below 0.00001.
gnomAD v4.1: 2 of 1,613,884 alleles (0.00012%); highest among the groups gnomAD compares: Non-Finnish European, 0.00017%; no homozygotes.

Submission:

Labcorp Genetics (formerly Invitae), Labcorp
Classification: Uncertain significance for Mucopolysaccharidosis, MPS-IV-A. Last evaluated: 2022-06-27. Review status: criteria provided, single submitter. Criteria: Invitae Variant Classification Sherloc (09022015). Collection method: clinical testing. Allele origin: germline.
Comment: This sequence change replaces glutamic acid, which is acidic and polar, with aspartic acid, which is acidic and polar, at codon 320 of the GALNS protein (p.Glu320Asp). This variant is present in population databases (no rsID available, gnomAD 0.0009%). This variant has not been reported in the literature in individuals affected with GALNS-related conditions. Advanced modeling of protein sequence and biophysical properties (such as structural, functional, and spatial information, amino acid conservation, physicochemical variation, residue mobility, and thermodynamic stability) performed at Invitae indicates that this missense variant is expected to disrupt GALNS protein function. In summary, the available evidence is currently insufficient to determine the role of this variant in disease. Therefore, it has been classified as a Variant of Uncertain Significance.